The following is an entry in ClinVar:

NM_001276270.2(MBD4):c.747A>T (p.Gly249=)

Gene: MBD4 (methyl-CpG binding domain 4, DNA glycosylase; minus strand). Cytogenetic location: 3q21.3.
Variant type: single nucleotide variant.
Coding change: c.747A>T on transcript NM_001276270.2 (MANE Select); coding-DNA position 747, A replaced by T.
Protein change: p.Gly249=; no amino-acid change (glycine 249 retained).
Molecular consequence: synonymous variant. On other transcripts: intron variant (1).
Genome position (GRCh38, 1-based): chr3:129,436,897, T>A on the plus strand (A>T on the coding strand, the complement: MBD4 is on the minus strand). VCF-style: chr3-129436897-T-A. GRCh37 (hg19) VCF-style: chr3-129155740-T-A.
Other names: c.747A>T, p.Gly249= (NM_001276271.2, NM_001276272.2, NM_003925.3); c.247+911A>T (NM_001276273.2).
Identifiers: ClinVar variation 3683801 (VCV003683801.4).

ClinVar aggregate classification (germline): Benign/Likely benign. Review status: criteria provided, multiple submitters, no conflicts (2 of 4 stars). 3 submissions from 3 submitters: Benign (1); Likely benign (2). Last evaluated 2026-06-11.

Conditions:
Inborn genetic diseases. Identifiers: MedGen C0950123, MeSH D030342.
Tumor predisposition syndrome 2 (TPDS2). Also called: MBD4-Related Tumor Predisposition Syndrome; MBD4-associated neoplasia syndrome (MANS); MBD4-ASSOCIATED NEOPLASIA SYNDROME. Identifiers: Orphanet 661526, MedGen C5774186, MONDO:0859267, OMIM 619975.

gnomAD v4.1: 6 of 1,614,166 alleles (0.00037%); highest among the groups gnomAD compares: Middle Eastern, 0.033%; 1 homozygote.

Submissions (3):

Myriad Genetics, Inc.
Classification: Benign for Tumor predisposition syndrome 2. Last evaluated: 2026-06-11. Review status: criteria provided, single submitter. Criteria: Myriad Autosomal Dominant, Autosomal Recessive and X-Linked Classification Criteria (2023). Collection method: clinical testing. Allele origin: unknown.
Comment: This variant is considered benign. This variant is a silent/synonymous amino acid change and it is not expected to impact splicing.

Ambry Genetics
Classification: Likely benign for Inborn genetic diseases. Last evaluated: 2024-12-22. Review status: criteria provided, single submitter. Criteria: Ambry Variant Classification Scheme 2023. Collection method: clinical testing. Allele origin: germline.

Labcorp Genetics (formerly Invitae), Labcorp
Classification: Likely benign. Last evaluated: 2024-11-07. Review status: criteria provided, single submitter. Criteria: Invitae Variant Classification Sherloc (09022015). Collection method: clinical testing. Allele origin: germline.